The following is an entry in ClinVar:

NM_003482.4(KMT2D):c.9967C>A (p.Pro3323Thr)

Gene: KMT2D (lysine methyltransferase 2D; minus strand). Cytogenetic location: 12q13.12.
Variant type: single nucleotide variant.
Coding change: c.9967C>A on transcript NM_003482.4 (MANE Select); coding-DNA position 9967, C replaced by A.
Protein change: p.Pro3323Thr; replaces proline 3323 with threonine.
Molecular consequence: missense variant.
Genome position (GRCh38, 1-based): chr12:49,037,389, G>T on the plus strand (C>A on the coding strand, the complement: KMT2D is on the minus strand). VCF-style: chr12-49037389-G-T. GRCh37 (hg19) VCF-style: chr12-49431172-G-T.
Other names: short protein forms P3323T.
Identifiers: ClinVar variation 2712152 (VCV002712152.3), dbSNP rs2120478186, ClinGen allele CA384733460.

ClinVar aggregate classification (germline): Uncertain significance (1 of 4 stars; one submission).

Conditions:
Kabuki syndrome. Also called: NIIKAWA-KUROKI SYNDROME; Kabuki make-up syndrome. Identifiers: Orphanet 2322, MedGen C0796004, MONDO:0016512.

Submission:

Labcorp Genetics (formerly Invitae), Labcorp
Classification: Uncertain significance for Kabuki syndrome. Last evaluated: 2025-05-26. Review status: criteria provided, single submitter. Criteria: Invitae Variant Classification Sherloc (09022015). Collection method: clinical testing. Allele origin: germline.
Comment: This sequence change replaces proline, which is neutral and non-polar, with threonine, which is neutral and polar, at codon 3323 of the KMT2D protein (p.Pro3323Thr). This variant is not present in population databases (gnomAD no frequency). This variant has not been reported in the literature in individuals affected with KMT2D-related conditions. ClinVar contains an entry for this variant (Variation ID: 2712152). Invitae Evidence Modeling of protein sequence and biophysical properties (such as structural, functional, and spatial information, amino acid conservation, physicochemical variation, residue mobility, and thermodynamic stability) indicates that this missense variant is not expected to disrupt KMT2D protein function with a negative predictive value of 95%. In summary, the available evidence is currently insufficient to determine the role of this variant in disease. Therefore, it has been classified as a Variant of Uncertain Significance.